The following is an entry in ClinVar:

ClinVar aggregate classification (germline): Pathogenic/Likely pathogenic. Review status: criteria provided, multiple submitters, no conflicts (2 of 4 stars). 2 submissions from 2 submitters: Pathogenic (1); Likely pathogenic (1). Last evaluated 2026-04-24.

Conditions:
ENPP1-related disorder. Also called: ENPP1-related condition; ENPP1-related disorders.

Allele frequency attached by ClinVar (database versions not stated): gnomAD exomes 0.00003; ESP Exome Variant Server 0.00008; 1000 Genomes Project 30x 0.00016; 1000 Genomes Project 0.00020.
gnomAD v4.1: 47 of 1,613,054 alleles (0.0029%); highest among the groups gnomAD compares: Non-Finnish European, 0.0038%; no homozygotes.

Submissions (2):

PreventionGenetics, part of Exact Sciences
Classification: Likely pathogenic for ENPP1-related condition. Last evaluated: 2026-04-24. Review status: criteria provided, single submitter. Criteria: ACMG Guidelines, 2015. Collection method: clinical testing. Allele origin: germline.
Comment: The ENPP1 c.2662C>T variant is predicted to result in the amino acid substitution p.Arg888Trp. This variant has been reported in individuals with autosomal recessive generalized arterial calcification of infancy (see for example: Ruf et al. 2005. PubMed ID: 15605415; Freed et al. 2020. PubMed ID: 32553838; Ferreira et al. 2020. PubMed ID: 33005041). This variant has been shown to impact protein function (Stella et al. 2016. PubMed ID: 27467858). This variant is reported in 0.0046% of alleles in individuals of European (Non-Finnish) descent in gnomAD. This variant is interpreted as likely pathogenic for autosomal recessive disorders; however, the clinical significance of this variant with respect to an autosomal dominant syndrome is uncertain due to the absence of conclusive functional and genetic evidence.

Labcorp Genetics (formerly Invitae), Labcorp
Classification: Pathogenic. Last evaluated: 2024-08-11. Review status: criteria provided, single submitter. Criteria: Invitae Variant Classification Sherloc (09022015). Collection method: clinical testing. Allele origin: germline.
Comment: This sequence change replaces arginine, which is basic and polar, with tryptophan, which is neutral and slightly polar, at codon 888 of the ENPP1 protein (p.Arg888Trp). This variant is present in population databases (rs184483616, gnomAD 0.004%). This missense change has been observed in individual(s) with autosomal recessive generalized arterial calcification of infancy (PMID: 15605415, 33005041). In at least one individual the data is consistent with being in trans (on the opposite chromosome) from a pathogenic variant. It has also been observed to segregate with disease in related individuals. Advanced modeling of protein sequence and biophysical properties (such as structural, functional, and spatial information, amino acid conservation, physicochemical variation, residue mobility, and thermodynamic stability) performed at Invitae indicates that this missense variant is expected to disrupt ENPP1 protein function with a positive predictive value of 80%. Experimental studies have shown that this missense change affects ENPP1 function (PMID: 27467858). For these reasons, this variant has been classified as Pathogenic.

Literature cited by the submitters: PubMed 15605415 (cited by Labcorp Genetics (formerly Invitae), Labcorp); PubMed 33005041 (cited by Labcorp Genetics (formerly Invitae), Labcorp); PubMed 27467858 (cited by Labcorp Genetics (formerly Invitae), Labcorp).

NM_006208.3(ENPP1):c.2662C>T (p.Arg888Trp)

Gene: ENPP1 (ectonucleotide pyrophosphatase/phosphodiesterase 1; plus strand). Cytogenetic location: 6q23.2.
Variant type: single nucleotide variant.
Coding change: c.2662C>T on transcript NM_006208.3 (MANE Select); coding-DNA position 2662, C replaced by T.
Protein change: p.Arg888Trp; replaces arginine 888 with tryptophan.
Molecular consequence: missense variant.
Genome position (GRCh38, 1-based): chr6:131,890,395, C>T. VCF-style: chr6-131890395-C-T. GRCh37 (hg19) VCF-style: chr6-132211535-C-T.
Other names: c.2662C>T (NM_006208.2); short protein forms R888W.
Identifiers: ClinVar variation 2723422 (VCV002723422.4), dbSNP rs184483616, ClinGen allele CA4002608.
Genomic context (GRCh38, chr6:131,890,395, plus strand): 5'-TCCTAGCATGGGAAGCATGACTCCTCATGGGTTGAAGAATTGTTAATGTTACACAGAGCA[C>T]GGATCACAGATGTTGAGCACATCACTGGACTCAGCTTCTATCAACAAAGAAAAGAGCCAG-3'
Protein context (NP_006199.2, residues 878-898): VEELLMLHRA[Arg888Trp]ITDVEHITGL